The following is an entry in ClinVar:

NM_002691.4(POLD1):c.1640T>C (p.Leu547Pro)

Gene: POLD1 (DNA polymerase delta 1, catalytic subunit; plus strand). Cytogenetic location: 19q13.33.
Variant type: single nucleotide variant.
Coding change: c.1640T>C on transcript NM_002691.4 (MANE Select); coding-DNA position 1640, T replaced by C.
Protein change: p.Leu547Pro; replaces leucine 547 with proline.
Molecular consequence: missense variant. On other transcripts: non-coding transcript variant (1).
Genome position (GRCh38, 1-based): chr19:50,407,128, T>C. VCF-style: chr19-50407128-T-C. GRCh37 (hg19) VCF-style: chr19-50910385-T-C.
Other names: c.1640T>C, p.Leu547Pro (NM_001256849.1, NM_001308632.1); short protein forms L547P.
Identifiers: ClinVar variation 469209 (VCV000469209.8), dbSNP rs1555791435, ClinGen allele CA406981031.

ClinVar aggregate classification (germline): Uncertain significance (1 of 4 stars; one submission).

Conditions:
POLD1-related polyposis and colorectal cancer syndrome (CRCS10). Also called: Colorectal cancer 10; COLORECTAL CANCER, SUSCEPTIBILITY TO, ON CHROMOSOME 19q; Colorectal cancer, susceptibility to, 10. Identifiers: Orphanet 220460, MedGen C2675481, MONDO:0012953, OMIM 612591.

Submission:

Labcorp Genetics (formerly Invitae), Labcorp
Classification: Uncertain significance for POLD1-related polyposis and colorectal cancer syndrome. Last evaluated: 2024-06-10. Review status: criteria provided, single submitter. Criteria: Invitae Variant Classification Sherloc (09022015). Collection method: clinical testing. Allele origin: germline.
Comment: This sequence change replaces leucine, which is neutral and non-polar, with proline, which is neutral and non-polar, at codon 547 of the POLD1 protein (p.Leu547Pro). This variant is not present in population databases (gnomAD no frequency). This variant has not been reported in the literature in individuals affected with POLD1-related conditions. ClinVar contains an entry for this variant (Variation ID: 469209). Advanced modeling of protein sequence and biophysical properties (such as structural, functional, and spatial information, amino acid conservation, physicochemical variation, residue mobility, and thermodynamic stability) performed at Invitae indicates that this missense variant is expected to disrupt POLD1 protein function with a positive predictive value of 80%. In summary, the available evidence is currently insufficient to determine the role of this variant in disease. Therefore, it has been classified as a Variant of Uncertain Significance.